The following is an entry in ClinVar:

ClinVar aggregate classification (germline): Likely pathogenic. Review status: criteria provided, multiple submitters, no conflicts (2 of 4 stars). 3 submissions from 3 submitters: Likely pathogenic (2). 1 of the submissions does not count toward it. Last evaluated 2025-12-29.

Conditions:
Genetic hearing loss. Also called: Hereditary hearing loss; Hereditary hearing disorder. Identifiers: MedGen C0236038.
Alport syndrome. Also called: Hemorrhagic familial nephritis; Hemorrhagic hereditary nephritis; Congenital hereditary hematuria. Identifiers: Orphanet 63, MedGen C1567741, MONDO:0018965.

Allele frequency attached by ClinVar (database versions not stated): gnomAD exomes below 0.00001.
gnomAD v4.1: 1 of 1,610,020 alleles (0.000062%); highest among the groups gnomAD compares: Non-Finnish European, 0.000085%; no homozygotes.

Submissions (3):

Labcorp Genetics (formerly Invitae), Labcorp
Classification: Likely pathogenic. Last evaluated: 2025-12-29. Review status: criteria provided, single submitter. Criteria: Invitae Variant Classification Sherloc (09022015). Collection method: clinical testing. Allele origin: germline.
Comment: This sequence change affects a donor splice site in intron 6 of the COL4A3 gene. It is expected to disrupt RNA splicing. Variants that disrupt the donor or acceptor splice site typically lead to a loss of protein function (PMID: 16199547), and loss-of-function variants in COL4A3 are known to be pathogenic (PMID: 8956999, 24854265, 26809805, 27281700). This variant is not present in population databases (gnomAD no frequency). This variant has not been reported in the literature in individuals affected with COL4A3-related conditions. ClinVar contains an entry for this variant (Variation ID: 812587). Algorithms developed to predict the effect of sequence changes on RNA splicing suggest that this variant may disrupt the consensus splice site. In summary, the currently available evidence indicates that the variant is pathogenic, but additional data are needed to prove that conclusively. Therefore, this variant has been classified as Likely Pathogenic.

Natera, Inc.
Classification: Likely pathogenic for Alport syndrome. Last evaluated: 2024-10-31. Review status: criteria provided, single submitter. Criteria: Natera Variant Classification Schema (03/2026). Collection method: clinical testing. Allele origin: germline.
Comment: The c.387+1G>A variant in COL4A3 is a canonical splice donor site variant predicted to affect pre-mRNA splicing, which may result in an abnormal transcript and altered protein product. This variant is expected to result in nonsense mediated decay, truncation, or a dysfunctional protein product. This variant is rare in the general population with a frequency below the threshold expected for the associated phenotype(s). This variant has been observed in one or more individuals affected with the associated recessive disease, as either homozygous or compound heterozygous with a second variant (PMID: 38884051). Given the available evidence, this variant is classified as Likely Pathogenic.

Hereditary Hearing Loss Research Unit, University of Madras
Classification: Pathogenic for Hereditary hearing loss and deafness. Last evaluated: 2019-04-16. Review status: no assertion criteria provided. Collection method: research. Allele origin: inherited. Inheritance: Autosomal recessive inheritance. Affected: yes. Observed: 1 homozygote. Not counted in ClinVar's aggregate classification.

Literature cited by the submitters: PubMed 16199547 (cited by Labcorp Genetics (formerly Invitae), Labcorp); PubMed 8956999 (cited by Labcorp Genetics (formerly Invitae), Labcorp); PubMed 24854265 (cited by Labcorp Genetics (formerly Invitae), Labcorp); PubMed 26809805 (cited by Labcorp Genetics (formerly Invitae), Labcorp); PubMed 27281700 (cited by Labcorp Genetics (formerly Invitae), Labcorp); PubMed 38884051 (cited by Natera, Inc.).

NM_000091.5(COL4A3):c.387+1G>A

Genes: COL4A3 (collagen type IV alpha 3 chain; plus strand), MFF-DT (MFF divergent transcript; minus strand). Cytogenetic location: 2q36.3.
Variant type: single nucleotide variant.
Coding change: c.387+1G>A on transcript NM_000091.5 (MANE Select); the canonical splice donor site of the intron after coding-DNA position 387, G replaced by A.
Molecular consequence: splice donor variant.
Genome position (GRCh38, 1-based): chr2:227,246,017, G>A. VCF-style: chr2-227246017-G-A. GRCh37 (hg19) VCF-style: chr2-228110733-G-A.
Identifiers: ClinVar variation 812587 (VCV000812587.5), dbSNP rs1574674108, ClinGen allele CA350861739.